The following is an entry in ClinVar:

ClinVar aggregate classification (germline): Conflicting classifications of pathogenicity. Review status: criteria provided, conflicting classifications (1 of 4 stars). 3 submissions from 3 submitters: Uncertain significance (2); Likely benign (1). Last evaluated 2025-11-25.

Conditions:
Hereditary cancer-predisposing syndrome. Also called: Tumor predisposition; Hereditary neoplastic syndrome; Hereditary Cancer Syndrome; Neoplastic Syndromes, Hereditary. Identifiers: Orphanet 140162, MedGen C0027672, MeSH D009386, MONDO:0015356.
Hereditary nonpolyposis colorectal neoplasms. Identifiers: MedGen C0009405, MeSH D003123.

Allele frequency attached by ClinVar (database versions not stated): TOPMed below 0.00001.

Submissions (3):

Labcorp Genetics (formerly Invitae), Labcorp
Classification: Uncertain significance for Hereditary nonpolyposis colorectal neoplasms. Last evaluated: 2025-11-25. Review status: criteria provided, single submitter. Criteria: Invitae Variant Classification Sherloc (09022015). Collection method: clinical testing. Allele origin: germline.
Comment: This sequence change replaces alanine, which is neutral and non-polar, with threonine, which is neutral and polar, at codon 725 of the PMS2 protein (p.Ala725Thr). The frequency data for this variant in the population databases (gnomAD) is considered unreliable due to the presence of homologous sequence, such as pseudogenes or paralogs, in the genome. This missense change has been observed in individual(s) with breast cancer (PMID: 35449176). ClinVar contains an entry for this variant (Variation ID: 576036). Invitae Evidence Modeling incorporating data from in vitro experimental studies (internal data) indicates that this missense variant is not expected to disrupt PMS2 function with a negative predictive value of 95%. In summary, the available evidence is currently insufficient to determine the role of this variant in disease. Therefore, it has been classified as a Variant of Uncertain Significance.

Ambry Genetics
Classification: Uncertain significance for Hereditary cancer-predisposing syndrome. Last evaluated: 2025-08-19. Review status: criteria provided, single submitter. Criteria: Ambry Variant Classification Scheme 2023. Collection method: clinical testing. Allele origin: germline.
Comment: The p.A725T variant (also known as c.2173G>A), located in coding exon 12 of the PMS2 gene, results from a G to A substitution at nucleotide position 2173. The alanine at codon 725 is replaced by threonine, an amino acid with similar properties. This amino acid position is not well conserved in available vertebrate species. In addition, this alteration is predicted to be tolerated by in silico analysis. Since supporting evidence is limited at this time, the clinical significance of this alteration remains unclear.

Color Diagnostics, LLC DBA Color Health
Classification: Likely benign for Hereditary cancer-predisposing syndrome. Last evaluated: 2025-01-28. Review status: criteria provided, single submitter. Criteria: ACMG Guidelines, 2015. Collection method: clinical testing. Allele origin: germline.

Literature cited by the submitters: PubMed 35449176 (cited by Labcorp Genetics (formerly Invitae), Labcorp).

NM_000535.7(PMS2):c.2173G>A (p.Ala725Thr)

Gene: PMS2 (PMS1 homolog 2, mismatch repair system component; minus strand). Cytogenetic location: 7p22.1.
Variant type: single nucleotide variant.
Coding change: c.2173G>A on transcript NM_000535.7 (MANE Select); coding-DNA position 2173, G replaced by A.
Protein change: p.Ala725Thr; replaces alanine 725 with threonine.
Molecular consequence: missense variant. On other transcripts: non-coding transcript variant (1).
Genome position (GRCh38, 1-based): chr7:5,982,825, C>T on the plus strand (G>A on the coding strand, the complement: PMS2 is on the minus strand). VCF-style: chr7-5982825-C-T. GRCh37 (hg19) VCF-style: chr7-6022456-C-T.
Other names: c.1768G>A, p.Ala590Thr (NM_001322003.2, NM_001322004.2, NM_001322005.2 and 1 more transcripts); c.2017G>A, p.Ala673Thr (NM_001322006.2); c.1855G>A, p.Ala619Thr (NM_001322007.2, NM_001322008.2); c.1612G>A, p.Ala538Thr (NM_001322010.2); c.1240G>A, p.Ala414Thr (NM_001322011.2, NM_001322012.2); c.1600G>A, p.Ala534Thr (NM_001322013.2); c.2173G>A, p.Ala725Thr (NM_001322014.2); c.1864G>A, p.Ala622Thr (NM_001322015.2); short protein forms A725T, A534T, A538T, A619T, A673T, A414T, A590T, A622T.
Identifiers: ClinVar variation 576036 (VCV000576036.14), dbSNP rs1303835934, ClinGen allele CA366737837.
Genomic context (GRCh38, chr7:5,982,825, plus strand): 5'-GCCTCTATTAGATCTTCAATTTGAGGGGGAGTCTGGGAATGAACACTAAACACACTCACG[C>T]TATGAGCCTCTGCCCCTGGAGCACGGTGTGCTGCTGCAGCATCTCGAAGTTATACTTCTC-3'
Protein context (NP_000526.2, residues 715-735): HTVLQGQRLI[Ala725Thr]PQTLNLTAVN